The following is an entry in ClinVar:

ClinVar aggregate classification (germline): Likely benign (0 of 4 stars; one submission).

Conditions:
MUC16-related disorder. Also called: MUC16-related condition.

Submission:

PreventionGenetics, part of Exact Sciences
Classification: Likely benign for MUC16-related condition. Last evaluated: 2019-09-19. Review status: no assertion criteria provided. Collection method: clinical testing. Allele origin: germline.
Comment: This variant is classified as likely benign based on ACMG/AMP sequence variant interpretation guidelines (Richards et al. 2015 PMID: 25741868, with internal and published modifications).

NM_001401501.2(MUC16):c.37798+6T>C

Gene: MUC16 (mucin 16, cell surface associated; minus strand). Cytogenetic location: 19p13.2.
Variant type: single nucleotide variant.
Coding change: c.37798+6T>C on transcript NM_001401501.2 (MANE Select); 6 bases into the intron after coding-DNA position 37798, T replaced by C.
Molecular consequence: intron variant.
Genome position (GRCh38, 1-based): chr19:8,908,593, A>G on the plus strand (T>C on the coding strand, the complement: MUC16 is on the minus strand). VCF-style: chr19-8908593-A-G. GRCh37 (hg19) VCF-style: chr19-9019269-A-G.
Other names: c.38224+6T>C (NM_001414686.1); c.37678+6T>C (NM_001414687.1); c.37612+6T>C (NM_024690.2).
Identifiers: ClinVar variation 3039395 (VCV003039395.2), dbSNP rs1319643623, ClinGen allele CA631388780.